The following is an entry in ClinVar:

ClinVar aggregate classification (germline): Conflicting classifications of pathogenicity. Review status: criteria provided, conflicting classifications (1 of 4 stars). 2 submissions from 2 submitters: Uncertain significance (1); Likely benign (1). Last evaluated 2024-08-11.

Conditions:
Hereditary cancer-predisposing syndrome. Also called: Neoplastic Syndromes, Hereditary; Tumor predisposition; Hereditary Cancer Syndrome; Hereditary neoplastic syndrome. Identifiers: Orphanet 140162, MedGen C0027672, MeSH D009386, MONDO:0015356.

Allele frequency attached by ClinVar (database versions not stated): gnomAD exomes below 0.00001 and 0.00001; TOPMed 0.00001.
gnomAD v4.1: 2 of 1,613,866 alleles (0.00012%); highest among the groups gnomAD compares: African/African-American, 0.0027%; no homozygotes.

Submissions (2):

Labcorp Genetics (formerly Invitae), Labcorp
Classification: Uncertain significance for Hereditary cancer-predisposing syndrome. Last evaluated: 2024-08-11. Review status: criteria provided, single submitter. Criteria: Invitae Variant Classification Sherloc (09022015). Collection method: clinical testing. Allele origin: germline.
Comment: This sequence change replaces asparagine, which is neutral and polar, with serine, which is neutral and polar, at codon 286 of the RAD50 protein (p.Asn286Ser). This variant is present in population databases (no rsID available, gnomAD 0.01%). This variant has not been reported in the literature in individuals affected with RAD50-related conditions. ClinVar contains an entry for this variant (Variation ID: 484636). Advanced modeling of protein sequence and biophysical properties (such as structural, functional, and spatial information, amino acid conservation, physicochemical variation, residue mobility, and thermodynamic stability) has been performed at Invitae for this missense variant, however the output from this modeling did not meet the statistical confidence thresholds required to predict the impact of this variant on RAD50 protein function. In summary, the available evidence is currently insufficient to determine the role of this variant in disease. Therefore, it has been classified as a Variant of Uncertain Significance.

Ambry Genetics
Classification: Likely benign for Hereditary cancer-predisposing syndrome. Last evaluated: 2024-08-07. Review status: criteria provided, single submitter. Criteria: Ambry Variant Classification Scheme 2023. Collection method: clinical testing. Allele origin: germline.

NM_005732.4(RAD50):c.857A>G (p.Asn286Ser)

Gene: RAD50 (RAD50 double strand break repair protein; plus strand). Cytogenetic location: 5q31.1.
Variant type: single nucleotide variant.
Coding change: c.857A>G on transcript NM_005732.4 (MANE Select); coding-DNA position 857, A replaced by G.
Protein change: p.Asn286Ser; replaces asparagine 286 with serine.
Molecular consequence: missense variant.
Genome position (GRCh38, 1-based): chr5:132,587,662, A>G. VCF-style: chr5-132587662-A-G. GRCh37 (hg19) VCF-style: chr5-131923354-A-G.
Other names: short protein forms N286S.
Identifiers: ClinVar variation 484636 (VCV000484636.17), dbSNP rs1164768642, ClinGen allele CA360940472.